The following is an entry in ClinVar:

NM_002547.3(OPHN1):c.2003T>C (p.Val668Ala)

Gene: OPHN1 (oligophrenin 1; minus strand). Cytogenetic location: Xq12.
Variant type: single nucleotide variant.
Coding change: c.2003T>C on transcript NM_002547.3 (MANE Select); coding-DNA position 2003, T replaced by C.
Protein change: p.Val668Ala; replaces valine 668 with alanine.
Molecular consequence: missense variant.
Genome position (GRCh38, 1-based): chrX:68,064,009, A>G on the plus strand (T>C on the coding strand, the complement: OPHN1 is on the minus strand). VCF-style: chrX-68064009-A-G. GRCh37 (hg19) VCF-style: chrX-67283851-A-G.
Other names: short protein forms V668A.
Identifiers: ClinVar variation 2898747 (VCV002898747.3), dbSNP rs754104441, ClinGen allele CA10436802.

ClinVar aggregate classification (germline): Uncertain significance (1 of 4 stars; one submission).

Allele frequency attached by ClinVar (database versions not stated): ExAC 0.00001; gnomAD exomes 0.00001.
gnomAD v4.1: 3 of 1,208,834 alleles (0.00025%); highest among the groups gnomAD compares: Admixed American, 0.0044%; no homozygotes.

Submission:

Labcorp Genetics (formerly Invitae), Labcorp
Classification: Uncertain significance. Last evaluated: 2023-09-19. Review status: criteria provided, single submitter. Criteria: Invitae Variant Classification Sherloc (09022015). Collection method: clinical testing. Allele origin: germline.
Comment: In summary, the available evidence is currently insufficient to determine the role of this variant in disease. Therefore, it has been classified as a Variant of Uncertain Significance. An algorithm developed to predict the effect of missense changes on protein structure and function (PolyPhen-2) suggests that this variant is likely to be tolerated. This variant has not been reported in the literature in individuals affected with OPHN1-related conditions. This variant is present in population databases (rs754104441, gnomAD 0.008%). This sequence change replaces valine, which is neutral and non-polar, with alanine, which is neutral and non-polar, at codon 668 of the OPHN1 protein (p.Val668Ala).